The following is an entry in ClinVar:

NM_016169.4(SUFU):c.1214C>T (p.Ala405Val)

Gene: SUFU (SUFU negative regulator of hedgehog signaling; plus strand). Cytogenetic location: 10q24.32.
Variant type: single nucleotide variant.
Coding change: c.1214C>T on transcript NM_016169.4 (MANE Select); coding-DNA position 1214, C replaced by T.
Protein change: p.Ala405Val; replaces alanine 405 with valine.
Molecular consequence: missense variant.
Genome position (GRCh38, 1-based): chr10:102,617,346, C>T. VCF-style: chr10-102617346-C-T. GRCh37 (hg19) VCF-style: chr10-104377103-C-T.
Other names: c.1214C>T, p.Ala405Val (NM_001178133.2); short protein forms A405V.
Identifiers: ClinVar variation 2925542 (VCV002925542.4), dbSNP rs760076290, ClinGen allele CA5667901.

ClinVar aggregate classification (germline): Uncertain significance. Review status: criteria provided, multiple submitters, no conflicts (2 of 4 stars). 2 submissions from 2 submitters: Uncertain significance (2). Last evaluated 2026-07-07.

Conditions:
Hereditary cancer-predisposing syndrome. Also called: Hereditary Cancer Syndrome; Hereditary neoplastic syndrome; Neoplastic Syndromes, Hereditary; Tumor predisposition. Identifiers: Orphanet 140162, MedGen C0027672, MeSH D009386, MONDO:0015356.
Gorlin syndrome. Also called: Nevoid Basal Cell Carcinoma Syndrome; Basal cell nevus syndrome. Identifiers: Orphanet 377, MedGen C0004779, MONDO:0007187.
Medulloblastoma (MDB). Also called: Medulloblastoma, somatic; MEDULLOBLASTOMA PREDISPOSITION SYNDROME. Identifiers: Orphanet 616, MedGen C0025149, MeSH D008527, MONDO:0007959, OMIM 155255, HP:0002885.

Allele frequency attached by ClinVar (database versions not stated): ExAC 0.00001; gnomAD 0.00001.
gnomAD v4.1: 2 of 1,614,104 alleles (0.00012%); highest among the groups gnomAD compares: East Asian, 0.0022%; no homozygotes.

Submissions (2):

Ambry Genetics
Classification: Uncertain significance for Hereditary cancer-predisposing syndrome. Last evaluated: 2026-07-07. Review status: criteria provided, single submitter. Criteria: Ambry Variant Classification Scheme 2023. Collection method: clinical testing. Allele origin: germline.
Comment: The p.A405V variant (also known as c.1214C>T), located in coding exon 10 of the SUFU gene, results from a C to T substitution at nucleotide position 1214. The alanine at codon 405 is replaced by valine, an amino acid with similar properties. This amino acid position is conserved. In addition, this alteration is predicted to be deleterious by in silico analysis. Based on the available evidence, the clinical significance of this variant remains unclear.

Labcorp Genetics (formerly Invitae), Labcorp
Classification: Uncertain significance for Gorlin syndrome; Medulloblastoma. Last evaluated: 2022-11-08. Review status: criteria provided, single submitter. Criteria: Invitae Variant Classification Sherloc (09022015). Collection method: clinical testing. Allele origin: germline.
Comment: In summary, the available evidence is currently insufficient to determine the role of this variant in disease. Therefore, it has been classified as a Variant of Uncertain Significance. Advanced modeling of protein sequence and biophysical properties (such as structural, functional, and spatial information, amino acid conservation, physicochemical variation, residue mobility, and thermodynamic stability) performed at Invitae indicates that this missense variant is not expected to disrupt SUFU protein function. This variant has not been reported in the literature in individuals affected with SUFU-related conditions. This variant is present in population databases (rs760076290, gnomAD 0.006%). This sequence change replaces alanine, which is neutral and non-polar, with valine, which is neutral and non-polar, at codon 405 of the SUFU protein (p.Ala405Val).